The following is an entry in ClinVar:

ClinVar aggregate classification (germline): Uncertain significance (1 of 4 stars; one submission).

Allele frequency attached by ClinVar (database versions not stated): gnomAD exomes 0.00001.
gnomAD v4.1: 16 of 1,602,096 alleles (0.001%); highest among the groups gnomAD compares: Non-Finnish European, 0.0013%; no homozygotes.

Submission:

Labcorp Genetics (formerly Invitae), Labcorp
Classification: Uncertain significance. Last evaluated: 2022-04-28. Review status: criteria provided, single submitter. Criteria: Invitae Variant Classification Sherloc (09022015). Collection method: clinical testing. Allele origin: germline.
Comment: This sequence change falls in intron 4 of the IFNAR2 gene. It does not directly change the encoded amino acid sequence of the IFNAR2 protein. It affects a nucleotide within the consensus splice site. This variant is not present in population databases (gnomAD no frequency). This variant has not been reported in the literature in individuals affected with IFNAR2-related conditions. Variants that disrupt the consensus splice site are a relatively common cause of aberrant splicing (PMID: 17576681, 9536098). Algorithms developed to predict the effect of sequence changes on RNA splicing suggest that this variant may disrupt the consensus splice site. In summary, the available evidence is currently insufficient to determine the role of this variant in disease. Therefore, it has been classified as a Variant of Uncertain Significance.

Literature cited by the submitters: PubMed 17576681; PubMed 9536098.

NM_001289125.3(IFNAR2):c.221+5G>A

Genes: IFNAR2 (interferon alpha and beta receptor subunit 2; plus strand), IFNAR2-IL10RB (IFNAR2-IL10RB readthrough; plus strand). Cytogenetic location: 21q22.11.
Variant type: single nucleotide variant.
Coding change: c.221+5G>A on transcript NM_001289125.3 (MANE Select); 5 bases into the intron after coding-DNA position 221, G replaced by A.
Molecular consequence: intron variant.
Genome position (GRCh38, 1-based): chr21:33,245,079, G>A. VCF-style: chr21-33245079-G-A. GRCh37 (hg19) VCF-style: chr21-34617384-G-A.
Other names: c.221+5G>A (NM_000874.5, NM_001289128.2, NM_207584.3 and 4 more transcripts).
Identifiers: ClinVar variation 2128158 (VCV002128158.4), dbSNP rs758221505, ClinGen allele CA320117293.